The following is an entry in ClinVar:

NM_000132.4(F8):c.388+1G>A

Gene: F8 (coagulation factor VIII; minus strand). Cytogenetic location: Xq28.
Variant type: single nucleotide variant.
Coding change: c.388+1G>A on transcript NM_000132.4 (MANE Select); the canonical splice donor site of the intron after coding-DNA position 388, G replaced by A.
Molecular consequence: splice donor variant.
Genome position (GRCh38, 1-based): chrX:154,996,972, C>T on the plus strand (G>A on the coding strand, the complement: F8 is on the minus strand). VCF-style: chrX-154996972-C-T. GRCh37 (hg19) VCF-style: chrX-154225247-C-T.
Identifiers: ClinVar variation 1330755 (VCV001330755.7), dbSNP rs1377354928, ClinGen allele CA414919863.
Genomic context (GRCh38, chrX:154,996,972, plus strand): 5'-CACACACATCTCACTGTTCTATTCATAGAATGACAGGACAATAGGAGGGTATTTTACTCA[C>T]CCTCAGAAGCTTTCCAGTAGGATACACCAACAGCATGAAGACTGACAGGATGGGAAGCCA-3'

ClinVar aggregate classification (germline): Pathogenic (1 of 4 stars; one submission).

Conditions:
Hereditary factor VIII deficiency disease (HEMA). Also called: HEMOPHILIA, CLASSIC; AUTOSOMAL HEMOPHILIA A; Hemophilia A; Hemophilia A, congenital; HEM A; Factor 8 deficiency, congenital. Identifiers: Orphanet 98878, MedGen C0019069, MONDO:0010602, OMIM 306700.

Allele frequency attached by ClinVar (database versions not stated): TOPMed 0.00001.

Submission:

ARUP Laboratories, Molecular Genetics and Genomics, ARUP Laboratories
Classification: Pathogenic for Hereditary factor VIII deficiency disease. Last evaluated: 2021-03-12. Review status: criteria provided, single submitter. Criteria: ARUP Molecular Germline Variant Investigation Process 2021. Collection method: clinical testing. Allele origin: germline.
Comment: The F8 c.388+1G>A variant (rs1377354928) is reported in the literature in multiple individuals affected with severe hemophilia A (see F8 database and references therein, Rydz 2013). This variant is absent from general population databases (Exome Variant Server, Genome Aggregation Database), indicating it is not a common polymorphism. This variant disrupts the canonical splice donor site of intron three, which is likely to negatively impact gene function. Based on available information, this variant is considered to be pathogenic. References: Link to F8 database: Rydz N et al. The Canadian "National Program for hemophilia mutation testing" database: a ten-year review. Am J Hematol. 2013 Dec;88(12):1030-4